The following is an entry in ClinVar:

NM_001903.5(CTNNA1):c.1943T>G (p.Phe648Cys)

Gene: CTNNA1 (catenin alpha 1; plus strand). Cytogenetic location: 5q31.2.
Variant type: single nucleotide variant.
Coding change: c.1943T>G on transcript NM_001903.5 (MANE Select); coding-DNA position 1943, T replaced by G.
Protein change: p.Phe648Cys; replaces phenylalanine 648 with cysteine.
Molecular consequence: missense variant.
Genome position (GRCh38, 1-based): chr5:138,929,289, T>G. VCF-style: chr5-138929289-T-G. GRCh37 (hg19) VCF-style: chr5-138264978-T-G.
Other names: c.833T>G, p.Phe278Cys (NM_001323998.1, NM_001323999.1, NM_001324000.1 and 17 more transcripts); c.494T>G, p.Phe165Cys (NM_001324006.1, NM_001324007.1, NM_001324008.1 and 2 more transcripts); c.1943T>G, p.Phe648Cys (NM_001290307.3, NM_001323982.2, NM_001323983.1 and 2 more transcripts); c.1634T>G, p.Phe545Cys (NM_001290309.3); c.1574T>G, p.Phe525Cys (NM_001290310.3); c.1850T>G, p.Phe617Cys (NM_001323986.2); c.740T>G, p.Phe247Cys (NM_001324011.1); c.590T>G, p.Phe197Cys (NM_001324012.1, NM_001324013.1); short protein forms F247C, F525C, F197C, F278C, F165C, F545C, F617C, F648C.
Identifiers: ClinVar variation 2058141 (VCV002058141.4), dbSNP rs2533820527, ClinGen allele CA361132771.
Genomic context (GRCh38, chr5:138,929,289, plus strand): 5'-CTTTGTCTGGGTGGCAGACCCCTGAGGAGTTGGATGACTCTGACTTTGAGACAGAAGATT[T>G]TGATGTCAGAAGCAGGACGAGCGTCCAGACAGAAGACGATCAGCTGATAGCTGGCCAGAG-3'
Protein context (NP_001894.2, residues 638-658): LDDSDFETED[Phe648Cys]DVRSRTSVQT

ClinVar aggregate classification (germline): Uncertain significance (1 of 4 stars; one submission).

Submission:

Labcorp Genetics (formerly Invitae), Labcorp
Classification: Uncertain significance. Last evaluated: 2021-12-24. Review status: criteria provided, single submitter. Criteria: Invitae Variant Classification Sherloc (09022015). Collection method: clinical testing. Allele origin: germline.
Comment: In summary, the available evidence is currently insufficient to determine the role of this variant in disease. Therefore, it has been classified as a Variant of Uncertain Significance. Algorithms developed to predict the effect of missense changes on protein structure and function are either unavailable or do not agree on the potential impact of this missense change (SIFT: "Deleterious"; PolyPhen-2: "Benign"; Align-GVGD: "Class C0"). This variant has not been reported in the literature in individuals affected with CTNNA1-related conditions. This variant is not present in population databases (gnomAD no frequency). This sequence change replaces phenylalanine, which is neutral and non-polar, with cysteine, which is neutral and slightly polar, at codon 648 of the CTNNA1 protein (p.Phe648Cys).